The following is an entry in ClinVar:

NM_138927.4(SON):c.2619_2620del (p.Gln874fs)

Gene: SON (SON DNA and RNA binding protein; plus strand). Cytogenetic location: 21q22.11.
Variant type: Microsatellite.
Coding change: c.2619_2620del on transcript NM_138927.4 (MANE Select); coding-DNA positions 2619 to 2620, 2 bases deleted (TC; older notation c.2619_2620delTC).
Protein change: p.Gln874fs; shifts the reading frame from glutamine 874.
Molecular consequence: frameshift variant. On other transcripts: non-coding transcript variant (1), intron variant (1).
Genome position (GRCh38, 1-based): chr21:33,551,850-33,551,851, TC deleted; deleting any 2 consecutive bases within chr21:33,551,847-33,551,851 gives the same sequence; the c. name uses the placement nearest the transcript's 3' end. VCF-style (leftmost placement, unchanged base first): chr21-33551846-ACT-A. GRCh37 (hg19) VCF-style: chr21-34924152-ACT-A.
Other names: c.2619_2620del, p.Gln874fs (NM_001291411.2, NM_032195.3); c.245-5306_245-5305del (NM_001291412.3); short protein forms Q874fs.
Identifiers: ClinVar variation 3252505 (VCV003252505.2), dbSNP rs2517364388.
Genomic context (GRCh38, chr21:33,551,846, plus strand): 5'-ACTCCCAGATGTTAGCAACTAGCTCAATGGATTCCCAGATGTTAGCATCTGGCACTATGG[ACT>A]CTCAAATGTTAGCTTCTGGCACCATGGATGCTCAGATGTTAGCGTCTGGTACCATGGATG-3'

ClinVar aggregate classification (germline): Pathogenic. Review status: criteria provided, multiple submitters, no conflicts (2 of 4 stars). 2 submissions from 2 submitters: Pathogenic (2). Last evaluated 2024-09-26.

Conditions:
ZTTK syndrome (ZTTKS). Also called: Zhu-Tokita-Takenouchi-Kim Syndrome; ZTTK MULTIPLE CONGENITAL ANOMALIES-MENTAL RETARDATION SYNDROME. Identifiers: Orphanet 500150, MedGen C4310696, MONDO:0014936, OMIM 617140.

Submissions (2):

3billion
Classification: Pathogenic for ZTTK syndrome. Last evaluated: 2024-09-26. Review status: criteria provided, single submitter. Criteria: ACMG Guidelines, 2015. Collection method: clinical testing. Allele origin: germline. Affected: yes.
Comment: The variant is not observed in the gnomAD v4.0.0 dataset. Predicted Consequence/Location: Frameshift: predicted to result in a loss or disruption of normal protein function through nonsense-mediated decay (NMD) or protein truncation. Multiple pathogenic variants are reported downstream of the variant. The variant has been reported to be associated with SON-related disorder (ClinVar ID: VCV003252505). Therefore, this variant is classified as Pathogenic according to the recommendation of ACMG/AMP guideline.

GeneDx
Classification: Pathogenic. Last evaluated: 2023-12-05. Review status: criteria provided, single submitter. Criteria: GeneDx Variant Classification Process June 2021. Collection method: clinical testing. Allele origin: germline. Affected: yes.
Comment: Frameshift variant predicted to result in protein truncation or nonsense mediated decay in a gene for which loss of function is a known mechanism of disease; Not observed at significant frequency in large population cohorts (gnomAD); Has not been previously published as pathogenic or benign to our knowledge